The following is an entry in ClinVar:

ClinVar aggregate classification (germline): Benign. Review status: criteria provided, multiple submitters, no conflicts (2 of 4 stars). 5 submissions from 5 submitters: Benign (5). Last evaluated 2026-02-02.

Conditions:
Cone-rod synaptic disorder, congenital nonprogressive. Also called: NIGHT BLINDNESS, CONGENITAL STATIONARY, INCOMPLETE, AUTOSOMAL RECESSIVE. Identifiers: Orphanet 215, MedGen C4041558, MONDO:0012490, OMIM 610427.

Allele frequency attached by ClinVar (database versions not stated): 1000 Genomes Project 0.06310; TOPMed 0.06691; ESP Exome Variant Server 0.06747; 1000 Genomes Project 30x 0.07136.
gnomAD v4.1: 19,830 of 1,607,384 alleles (1.2%); highest among the groups gnomAD compares: African/African-American, 21%; 1,780 homozygotes.

Submissions (5):

Labcorp Genetics (formerly Invitae), Labcorp
Classification: Benign. Last evaluated: 2026-02-02. Review status: criteria provided, single submitter. Criteria: Invitae Variant Classification Sherloc (09022015). Collection method: clinical testing. Allele origin: germline.

GeneDx
Classification: Benign. Last evaluated: 2018-07-09. Review status: criteria provided, single submitter. Criteria: GeneDx Variant Classification Process June 2021. Collection method: clinical testing. Allele origin: germline. Affected: yes.

Illumina Laboratory Services, Illumina
Classification: Benign for Cone-rod synaptic disorder, congenital nonprogressive. Last evaluated: 2018-01-13. Review status: criteria provided, single submitter. Criteria: ICSL Variant Classification Criteria 13 December 2019. Collection method: clinical testing. Allele origin: germline.
Comment: This variant was observed in the ICSL laboratory as part of a predisposition screen in an ostensibly healthy population. It had not been previously curated by ICSL or reported in the Human Gene Mutation Database (HGMD: prior to June 1st, 2018), and was therefore a candidate for classification through an automated scoring system. Utilizing variant allele frequency, disease prevalence and penetrance estimates, and inheritance mode, an automated score was calculated to assess if this variant is too frequent to cause the disease. Based on the score and internal cut-off values, a variant classified as benign is not then subjected to further curation. The score for this variant resulted in a classification of benign for this disease.

Eurofins Ntd Llc (ga)
Classification: Benign. Last evaluated: 2014-04-30. Review status: criteria provided, single submitter. Criteria: EGL Classification Definitions 2015. Collection method: clinical testing. Allele origin: germline. Observed: 3 variant alleles, 2 heterozygotes, 1 homozygote.

Breakthrough Genomics
Classification: Benign. Review status: criteria provided, single submitter. Criteria: ACMG Guidelines, 2015. Collection method: not provided. Allele origin: germline. Inheritance: Autosomal recessive inheritance. Affected: yes.

NM_145200.5(CABP4):c.192C>T (p.Pro64=)

Gene: CABP4 (calcium binding protein 4; plus strand). Cytogenetic location: 11q13.2.
Variant type: single nucleotide variant.
Coding change: c.192C>T on transcript NM_145200.5 (MANE Select); coding-DNA position 192, C replaced by T.
Protein change: p.Pro64=; no amino-acid change (proline 64 retained).
Molecular consequence: synonymous variant. On other transcripts: 5 prime UTR variant (2), non-coding transcript variant (1), intron variant (1).
Genome position (GRCh38, 1-based): chr11:67,455,615, C>T. VCF-style: chr11-67455615-C-T. GRCh37 (hg19) VCF-style: chr11-67223086-C-T.
Other names: c.-192C>T (NM_001300895.3); c.-206C>T (NM_001379183.1); c.-112-94C>T (NM_001300896.3).
Identifiers: ClinVar variation 166762 (VCV000166762.19), dbSNP rs1790765, ClinGen allele CA179821.